The following is an entry in ClinVar:

NM_000094.4(COL7A1):c.4291A>G (p.Ser1431Gly)

Gene: COL7A1 (collagen type VII alpha 1 chain; minus strand). Cytogenetic location: 3p21.31.
Variant type: single nucleotide variant.
Coding change: c.4291A>G on transcript NM_000094.4 (MANE Select); coding-DNA position 4291, A replaced by G.
Protein change: p.Ser1431Gly; replaces serine 1431 with glycine.
Molecular consequence: missense variant.
Genome position (GRCh38, 1-based): chr3:48,583,768, T>C on the plus strand (A>G on the coding strand, the complement: COL7A1 is on the minus strand). VCF-style: chr3-48583768-T-C. GRCh37 (hg19) VCF-style: chr3-48621201-T-C.
Other names: short protein forms S1431G.
Identifiers: ClinVar variation 3768069 (VCV003768069.1).
Genomic context (GRCh38, chr3:48,583,768, plus strand): 5'-GCCTTCCTACTTTTTCTCCTTTCTTTCCAGGGGGGCCAACGGGGCCTTGGGGTCCAGGGC[T>C]TCCGGGAAGACCCTAGGAAGAAGTGAGTAAAAATATGAGCCAAGAACTATGAAGCCCAGC-3'
Protein context (NP_000085.1, residues 1421-1441): GEPGLPGLPG[Ser1431Gly]PGPQGPVGPP

ClinVar aggregate classification (germline): Uncertain significance (1 of 4 stars; one submission).

gnomAD v4.1: 6 of 1,613,850 alleles (0.00037%); highest among the groups gnomAD compares: East Asian, 0.0067%; no homozygotes.

Submission:

Women's Health and Genetics/Laboratory Corporation of America, LabCorp
Classification: Uncertain significance. Last evaluated: 2024-12-13. Review status: criteria provided, single submitter. Criteria: LabCorp Variant Classification Summary - May 2015. Collection method: clinical testing. Allele origin: germline.
Comment: Variant summary: COL7A1 c.4291A>G (p.Ser1431Gly) results in a non-conservative amino acid change in the encoded protein sequence. Four of five in-silico tools predict a benign effect of the variant on protein function. The variant allele was found at a frequency of 8e-06 in 251114 control chromosomes. The available data on variant occurrences in the general population are insufficient to allow any conclusion about variant significance. To our knowledge, no occurrence of c.4291A>G in individuals affected with Dystrophic Epidermolysis Bullosa, Recessive and no experimental evidence demonstrating its impact on protein function have been reported. No submitters have cited clinical-significance assessments for this variant to ClinVar. Based on the evidence outlined above, the variant was classified as uncertain significance.